The following is an entry in ClinVar:

NM_025144.4(ALPK1):c.475+6C>A

Gene: ALPK1 (alpha kinase 1; plus strand). Cytogenetic location: 4q25.
Variant type: single nucleotide variant.
Coding change: c.475+6C>A on transcript NM_025144.4 (MANE Select); 6 bases into the intron after coding-DNA position 475, C replaced by A.
Molecular consequence: intron variant.
Genome position (GRCh38, 1-based): chr4:112,412,031, C>A. VCF-style: chr4-112412031-C-A. GRCh37 (hg19) VCF-style: chr4-113333187-C-A.
Other names: c.475+6C>A (NM_001102406.2); c.241+6C>A (NM_001253884.2).
Identifiers: ClinVar variation 3687916 (VCV003687916.2).

ClinVar aggregate classification (germline): Uncertain significance (1 of 4 stars; one submission).

gnomAD v4.1: 1 of 1,613,638 alleles (0.000062%); highest among the groups gnomAD compares: Non-Finnish European, 0.000085%; no homozygotes.

Submission:

Labcorp Genetics (formerly Invitae), Labcorp
Classification: Uncertain significance. Last evaluated: 2024-12-17. Review status: criteria provided, single submitter. Criteria: Invitae Variant Classification Sherloc (09022015). Collection method: clinical testing. Allele origin: germline.
Comment: This sequence change falls in intron 5 of the ALPK1 gene. It does not directly change the encoded amino acid sequence of the ALPK1 protein. It affects a nucleotide within the consensus splice site. This variant is present in population databases (rs754970847, gnomAD 0.0009%). This variant has not been reported in the literature in individuals affected with ALPK1-related conditions. Variants that disrupt the consensus splice site are a relatively common cause of aberrant splicing (PMID: 17576681, 9536098). Algorithms developed to predict the effect of sequence changes on RNA splicing suggest that this variant is not likely to affect RNA splicing. In summary, the available evidence is currently insufficient to determine the role of this variant in disease. Therefore, it has been classified as a Variant of Uncertain Significance.

Literature cited by the submitters: PubMed 17576681; PubMed 9536098.